The following is an entry in ClinVar:

NM_181872.6(DMRT2):c.247G>A (p.Gly83Arg)

Gene: DMRT2 (doublesex and mab-3 related transcription factor 2; plus strand). Cytogenetic location: 9p24.3.
Variant type: single nucleotide variant.
Coding change: c.247G>A on transcript NM_181872.6 (MANE Select); coding-DNA position 247, G replaced by A.
Protein change: p.Gly83Arg; replaces glycine 83 with arginine.
Molecular consequence: missense variant. On other transcripts: non-coding transcript variant (1), 5 prime UTR variant (1).
Genome position (GRCh38, 1-based): chr9:1,051,860, G>A. VCF-style: chr9-1051860-G-A. GRCh37 (hg19) VCF-style: chr9-1051860-G-A.
Other names: c.247G>A, p.Gly83Arg (NM_001130865.3, NM_001370531.1, NM_001370533.1 and 4 more transcripts); c.-404G>A (NM_001370532.1); short protein forms G83R.
Identifiers: ClinVar variation 3710895 (VCV003710895.2).

ClinVar aggregate classification (germline): Uncertain significance (1 of 4 stars; one submission).

gnomAD v4.1: 24 of 1,394,446 alleles (0.0017%); highest among the groups gnomAD compares: Admixed American, 0.0038%; no homozygotes.

Submission:

Labcorp Genetics (formerly Invitae), Labcorp
Classification: Uncertain significance. Last evaluated: 2024-05-19. Review status: criteria provided, single submitter. Criteria: Invitae Variant Classification Sherloc (09022015). Collection method: clinical testing. Allele origin: germline.
Comment: This sequence change replaces glycine, which is neutral and non-polar, with arginine, which is basic and polar, at codon 83 of the DMRT2 protein (p.Gly83Arg). This variant is not present in population databases (gnomAD no frequency). This variant has not been reported in the literature in individuals affected with DMRT2-related conditions. Algorithms developed to predict the effect of missense changes on protein structure and function output the following: SIFT: "Not Available"; PolyPhen-2: "Probably Damaging"; Align-GVGD: "Not Available". The arginine amino acid residue is found in multiple mammalian species, which suggests that this missense change does not adversely affect protein function. In summary, the available evidence is currently insufficient to determine the role of this variant in disease. Therefore, it has been classified as a Variant of Uncertain Significance.